The following is an entry in ClinVar:

NM_004333.6(BRAF):c.1381C>A (p.Gln461Lys)

Gene: BRAF (B-Raf proto-oncogene, serine/threonine kinase; minus strand). Cytogenetic location: 7q34.
Variant type: single nucleotide variant.
Coding change: c.1381C>A on transcript NM_004333.6 (MANE Select); coding-DNA position 1381, C replaced by A.
Protein change: p.Gln461Lys; replaces glutamine 461 with lysine.
Molecular consequence: missense variant.
Genome position (GRCh38, 1-based): chr7:140,781,627, G>T on the plus strand (C>A on the coding strand, the complement: BRAF is on the minus strand). VCF-style: chr7-140781627-G-T. GRCh37 (hg19) VCF-style: chr7-140481427-G-T.
Other names: c.1381C>A, p.Gln461Lys (NM_001354609.2, NM_001378468.1, NM_001378474.1); c.1501C>A, p.Gln501Lys (NM_001374244.1, NM_001374258.1); c.1390C>A, p.Gln464Lys (NM_001378467.1); c.1315C>A, p.Gln439Lys (NM_001378469.1); c.1279C>A, p.Gln427Lys (NM_001378470.1); c.1270C>A, p.Gln424Lys (NM_001378471.1); c.1225C>A, p.Gln409Lys (NM_001378472.1, NM_001378473.1); c.1117C>A, p.Gln373Lys (NM_001378475.1); short protein forms Q373K, Q409K, Q501K, Q427K, Q439K, Q464K, Q424K, Q461K.
Identifiers: ClinVar variation 4613756 (VCV004613756.2).

ClinVar aggregate classification (germline): Uncertain significance. Review status: criteria provided, multiple submitters, no conflicts (2 of 4 stars). 2 submissions from 2 submitters: Uncertain significance (2). Last evaluated 2025-11-22.

Conditions:
BRAF-related disorder. Also called: BRAF-related condition.
Cardiovascular phenotype. Identifiers: MedGen CN230736.

gnomAD v4.1: 2 of 1,613,792 alleles (0.00012%); highest among the groups gnomAD compares: African/African-American, 0.0027%; no homozygotes.

Submissions (2):

Ambry Genetics
Classification: Uncertain significance for Cardiovascular phenotype. Last evaluated: 2025-11-22. Review status: criteria provided, single submitter. Criteria: Ambry Variant Classification Scheme 2023. Collection method: clinical testing. Allele origin: germline.
Comment: The p.Q461K variant (also known as c.1381C>A), located in coding exon 11 of the BRAF gene, results from a C to A substitution at nucleotide position 1381. The glutamine at codon 461 is replaced by lysine, an amino acid with similar properties. This amino acid position is conserved. In addition, the in silico prediction for this alteration is inconclusive. Based on the available evidence, the clinical significance of this variant remains unclear.

PreventionGenetics, part of Exact Sciences
Classification: Uncertain significance for BRAF-related condition. Last evaluated: 2025-02-08. Review status: criteria provided, single submitter. Criteria: ACMG Guidelines, 2015. Collection method: clinical testing. Allele origin: germline.
Comment: The BRAF c.1381C>A variant is predicted to result in the amino acid substitution p.Gln461Lys. To our knowledge, this variant has not been reported in the literature or in a large population database (gnomAD), indicating this variant is rare. At this time, the clinical significance of this variant is uncertain due to the absence of conclusive functional and genetic evidence.